The following is an entry in ClinVar:

NM_001291303.3(FAT4):c.11498A>G (p.Glu3833Gly)

Gene: FAT4 (FAT atypical cadherin 4; plus strand). Cytogenetic location: 4q28.1.
Variant type: single nucleotide variant.
Coding change: c.11498A>G on transcript NM_001291303.3 (MANE Select); coding-DNA position 11498, A replaced by G.
Protein change: p.Glu3833Gly; replaces glutamic acid 3833 with glycine.
Molecular consequence: missense variant.
Genome position (GRCh38, 1-based): chr4:125,452,508, A>G. VCF-style: chr4-125452508-A-G. GRCh37 (hg19) VCF-style: chr4-126373663-A-G.
Other names: c.11498A>G, p.Glu3833Gly (NM_001291285.3); c.11492A>G, p.Glu3831Gly (NM_024582.6); short protein forms E3831G, E3833G.
Identifiers: ClinVar variation 2073914 (VCV002073914.1), dbSNP rs753139391, ClinGen allele CA3073865.

ClinVar aggregate classification (germline): Uncertain significance (1 of 4 stars; one submission).

Allele frequency attached by ClinVar (database versions not stated): ExAC 0.00002; gnomAD 0.00003; TOPMed 0.00003.
gnomAD v4.1: 26 of 1,613,978 alleles (0.0016%); highest among the groups gnomAD compares: East Asian, 0.053%; 1 homozygote.

Submission:

Labcorp Genetics (formerly Invitae), Labcorp
Classification: Uncertain significance. Last evaluated: 2022-03-23. Review status: criteria provided, single submitter. Criteria: Invitae Variant Classification Sherloc (09022015). Collection method: clinical testing. Allele origin: germline.
Comment: This sequence change replaces glutamic acid, which is acidic and polar, with glycine, which is neutral and non-polar, at codon 3831 of the FAT4 protein (p.Glu3831Gly). This variant is present in population databases (rs753139391, gnomAD 0.05%). This variant has not been reported in the literature in individuals affected with FAT4-related conditions. Advanced modeling of protein sequence and biophysical properties (such as structural, functional, and spatial information, amino acid conservation, physicochemical variation, residue mobility, and thermodynamic stability) performed at Invitae indicates that this missense variant is not expected to disrupt FAT4 protein function. In summary, the available evidence is currently insufficient to determine the role of this variant in disease. Therefore, it has been classified as a Variant of Uncertain Significance.